The following is an entry in ClinVar:

NM_004304.5(ALK):c.3203C>T (p.Ala1068Val)

Gene: ALK (ALK receptor tyrosine kinase; minus strand). Cytogenetic location: 2p23.2.
Variant type: single nucleotide variant.
Coding change: c.3203C>T on transcript NM_004304.5 (MANE Select); coding-DNA position 3203, C replaced by T.
Protein change: p.Ala1068Val; replaces alanine 1068 with valine.
Molecular consequence: missense variant. On other transcripts: 5 prime UTR variant (1).
Genome position (GRCh38, 1-based): chr2:29,223,498, G>A on the plus strand (C>T on the coding strand, the complement: ALK is on the minus strand). VCF-style: chr2-29223498-G-A. GRCh37 (hg19) VCF-style: chr2-29446364-G-A.
Other names: c.-2C>T (NM_001353765.2); short protein forms A1068V.
Identifiers: ClinVar variation 1692781 (VCV001692781.12), dbSNP rs754439273, ClinGen allele CA1594038.

ClinVar aggregate classification (germline): Uncertain significance. Review status: criteria provided, multiple submitters, no conflicts (2 of 4 stars). 5 submissions from 5 submitters: Uncertain significance (5). Last evaluated 2025-07-31.

Conditions:
Hereditary cancer-predisposing syndrome. Also called: Neoplastic Syndromes, Hereditary; Hereditary Cancer Syndrome; Tumor predisposition; Hereditary neoplastic syndrome. Identifiers: Orphanet 140162, MedGen C0027672, MeSH D009386, MONDO:0015356.
Neuroblastoma, susceptibility to, 3. Also called: ALK-Related Neuroblastic Tumor Susceptibility. Identifiers: Orphanet 635, MedGen C2751681, MONDO:0013083, OMIM 613014.

Allele frequency attached by ClinVar (database versions not stated): gnomAD exomes below 0.00001; ExAC 0.00001.
gnomAD v4.1: 1 of 1,614,038 alleles (0.000062%); highest among the groups gnomAD compares: Non-Finnish European, 0.000085%; no homozygotes.

Submissions (5):

Ambry Genetics
Classification: Uncertain significance for Hereditary cancer-predisposing syndrome. Last evaluated: 2025-07-31. Review status: criteria provided, single submitter. Criteria: Ambry Variant Classification Scheme 2023. Collection method: clinical testing. Allele origin: germline.
Comment: The p.A1068V variant (also known as c.3203C>T), located in coding exon 20 of the ALK gene, results from a C to T substitution at nucleotide position 3203. The alanine at codon 1068 is replaced by valine, an amino acid with similar properties. This amino acid position is well conserved in available vertebrate species. In addition, this alteration is predicted to be tolerated by in silico analysis. Based on the available evidence, the clinical significance of this variant remains unclear.

Labcorp Genetics (formerly Invitae), Labcorp
Classification: Uncertain significance for Neuroblastoma, susceptibility to, 3. Last evaluated: 2024-07-22. Review status: criteria provided, single submitter. Criteria: Invitae Variant Classification Sherloc (09022015). Collection method: clinical testing. Allele origin: germline.
Comment: This sequence change replaces alanine, which is neutral and non-polar, with valine, which is neutral and non-polar, at codon 1068 of the ALK protein (p.Ala1068Val). This variant is present in population databases (rs754439273, gnomAD 0.0009%). This variant has not been reported in the literature in individuals affected with ALK-related conditions. ClinVar contains an entry for this variant (Variation ID: 1692781). An algorithm developed to predict the effect of missense changes on protein structure and function (PolyPhen-2) suggests that this variant is likely to be tolerated. In summary, the available evidence is currently insufficient to determine the role of this variant in disease. Therefore, it has been classified as a Variant of Uncertain Significance.

GeneDx
Classification: Uncertain significance. Last evaluated: 2024-04-16. Review status: criteria provided, single submitter. Criteria: GeneDx Variant Classification Process June 2021. Collection method: clinical testing. Allele origin: germline. Affected: yes.
Comment: Not observed at significant frequency in large population cohorts (gnomAD); In silico analysis supports that this missense variant has a deleterious effect on protein structure/function; Has not been previously published as pathogenic or benign to our knowledge

Baylor Genetics
Classification: Uncertain significance for Neuroblastoma, susceptibility to, 3. Last evaluated: 2024-01-31. Review status: criteria provided, single submitter. Criteria: ACMG Guidelines, 2015. Collection method: clinical testing. Allele origin: unknown.

Sema4
Classification: Uncertain significance for Hereditary cancer-predisposing syndrome. Last evaluated: 2021-06-13. Review status: criteria provided, single submitter. Criteria: Sema4 Curation Guidelines. Collection method: curation. Allele origin: germline.
Comment: The ALK c.3203C>T (p.A1068V) variant has not been reported in the literature to our knowledge. It was observed in 1/112842 chromosomes of the Non-Finnish European subpopulation in the large and broad cohorts of the Genome Aggregation Database (PMID: 32461654). This variant has not been reported in ClinVar. Functional studies have not been performed, and in silico predictions of the variant's effect on protein function are inconclusive. The evidence is insufficient to meet ACMG/AMP criteria for classifying the variant as benign or pathogenic. Thus, the clinical significance of this variant is currently uncertain.